The following is an entry in ClinVar:

ClinVar aggregate classification (germline): Uncertain significance (1 of 4 stars; one submission).

Submission:

Women's Health and Genetics/Laboratory Corporation of America, LabCorp
Classification: Uncertain significance. Last evaluated: 2025-06-27. Review status: criteria provided, single submitter. Criteria: LabCorp Variant Classification Summary - May 2015. Collection method: clinical testing. Allele origin: germline.
Comment: Variant summary: TECRL c.206C>G (p.Thr69Arg) results in a non-conservative amino acid change in the encoded protein sequence. Algorithms developed to predict the effect of missense changes on protein structure and function are either unavailable or do not agree on the potential impact of this missense change. The variant was absent in 248930 control chromosomes. The available data on variant occurrences in the general population are insufficient to allow any conclusion about variant significance. To our knowledge, no occurrence of c.206C>G in individuals affected with Catecholaminergic Polymorphic Ventricular Tachycardia and no experimental evidence demonstrating its impact on protein function have been reported. No submitters have cited clinical-significance assessments for this variant to ClinVar. Based on the evidence outlined above, the variant was classified as uncertain significance.

NM_001010874.5(TECRL):c.206C>G (p.Thr69Arg)

Gene: TECRL (trans-2,3-enoyl-CoA reductase like; minus strand). Cytogenetic location: 4q13.1.
Variant type: single nucleotide variant.
Coding change: c.206C>G on transcript NM_001010874.5 (MANE Select); coding-DNA position 206, C replaced by G.
Protein change: p.Thr69Arg; replaces threonine 69 with arginine.
Molecular consequence: missense variant.
Genome position (GRCh38, 1-based): chr4:64,409,146, G>C on the plus strand (C>G on the coding strand, the complement: TECRL is on the minus strand). VCF-style: chr4-64409146-G-C. GRCh37 (hg19) VCF-style: chr4-65274864-G-C.
Other names: c.206C>G, p.Thr69Arg (NM_001363796.1); short protein forms T69R.
Identifiers: ClinVar variation 3907301 (VCV003907301.1).